The following is an entry in ClinVar:

NM_004525.3(LRP2):c.10226A>G (p.His3409Arg)

Gene: LRP2 (LDL receptor related protein 2; minus strand). Cytogenetic location: 2q31.1.
Variant type: single nucleotide variant.
Coding change: c.10226A>G on transcript NM_004525.3 (MANE Select); coding-DNA position 10226, A replaced by G.
Protein change: p.His3409Arg; replaces histidine 3409 with arginine.
Molecular consequence: missense variant.
Genome position (GRCh38, 1-based): chr2:169,177,970, T>C on the plus strand (A>G on the coding strand, the complement: LRP2 is on the minus strand). VCF-style: chr2-169177970-T-C. GRCh37 (hg19) VCF-style: chr2-170034480-T-C.
Other names: short protein forms H3409R.
Identifiers: ClinVar variation 1483310 (VCV001483310.4), dbSNP rs763431942, ClinGen allele CA1953395.
Genomic context (GRCh38, chr2:169,177,970, plus strand): 5'-GTCCTTGTATTCCAATCTGTCCAATAAATAGTGTCTTCAAAAATGGTAATAGCGAAAGGG[T>C]GAGGCAGTGCCCCATCATACACCGTGTGTCGATGGTGGCCCTCCAAATCAGAGTACCTGC-3'
Protein context (NP_004516.2, residues 3399-3419): RHTVYDGALP[His3409Arg]PFAITIFEDT

ClinVar aggregate classification (germline): Uncertain significance. Review status: criteria provided, multiple submitters, no conflicts (2 of 4 stars). 2 submissions from 2 submitters: Uncertain significance (2). Last evaluated 2022-03-10.

Conditions:
Donnai-Barrow syndrome. Also called: DBS/FOAR SYNDROME; FACIOOCULOACOUSTICORENAL SYNDROME. Identifiers: Orphanet 2143, MedGen C1857277, MONDO:0009104, OMIM 222448.

Allele frequency attached by ClinVar (database versions not stated): gnomAD 0.00001; TOPMed 0.00003; ExAC 0.00005; gnomAD exomes 0.00005.
gnomAD v4.1: 93 of 1,614,054 alleles (0.0058%); highest among the groups gnomAD compares: Non-Finnish European, 0.0076%; no homozygotes.

Submissions (2):

Fulgent Genetics
Classification: Uncertain significance for Donnai-Barrow syndrome. Last evaluated: 2022-03-10. Review status: criteria provided, single submitter. Criteria: ACMG Guidelines, 2015. Collection method: clinical testing. Allele origin: unknown.

Labcorp Genetics (formerly Invitae), Labcorp
Classification: Uncertain significance. Last evaluated: 2021-10-29. Review status: criteria provided, single submitter. Criteria: Invitae Variant Classification Sherloc (09022015). Collection method: clinical testing. Allele origin: germline.
Comment: This sequence change replaces histidine, which is basic and polar, with arginine, which is basic and polar, at codon 3409 of the LRP2 protein (p.His3409Arg). This variant is present in population databases (rs763431942, gnomAD 0.01%). This variant has not been reported in the literature in individuals affected with LRP2-related conditions. Advanced modeling of protein sequence and biophysical properties (such as structural, functional, and spatial information, amino acid conservation, physicochemical variation, residue mobility, and thermodynamic stability) performed at Invitae indicates that this missense variant is expected to disrupt LRP2 protein function. In summary, the available evidence is currently insufficient to determine the role of this variant in disease. Therefore, it has been classified as a Variant of Uncertain Significance.